The following is an entry in ClinVar:

ClinVar aggregate classification (germline): Conflicting classifications of pathogenicity. Review status: criteria provided, conflicting classifications (1 of 4 stars). 12 submissions from 12 submitters: Likely pathogenic (1); Uncertain significance (6); Benign (1); Likely benign (3). 1 of the submissions does not count toward it. Last evaluated 2026-03-16.

Conditions:
Donnai-Barrow syndrome. Also called: DBS/FOAR SYNDROME; FACIOOCULOACOUSTICORENAL SYNDROME. Identifiers: Orphanet 2143, MedGen C1857277, MONDO:0009104, OMIM 222448.
Intellectual disability. Also called: intellectual disabilities; Intellectual developmental disorder; Intellectual functioning disability. Identifiers: MedGen C3714756, MeSH D008607, MONDO:0001071, HP:0001249.

Allele frequency attached by ClinVar (database versions not stated): 1000 Genomes Project 30x 0.00031; 1000 Genomes Project 0.00040; gnomAD 0.00074 and 0.00078; TOPMed 0.00080; gnomAD exomes 0.00097 and 0.00100; ExAC 0.00110; ESP Exome Variant Server 0.00115.
gnomAD v4.1: 1,551 of 1,614,058 alleles (0.096%); highest among the groups gnomAD compares: Middle Eastern, 0.23%; 1 homozygote.

Submissions (12):

Women's Health and Genetics/Laboratory Corporation of America, LabCorp
Classification: Likely benign. Last evaluated: 2026-03-16. Review status: criteria provided, single submitter. Criteria: LabCorp Variant Classification Summary - May 2015. Collection method: clinical testing. Allele origin: germline.
Comment: Variant summary: LRP2 c.6160G>A (p.Asp2054Asn) results in a conservative amino acid change in the encoded protein sequence. Algorithms developed to predict the effect of missense changes on protein structure and function are either unavailable or do not agree on the potential impact of this missense change. The variant allele was found at a frequency of 0.001 in 251202 control chromosomes, predominantly at a frequency of 0.0014 within the Non-Finnish European subpopulation in the gnomAD database. The observed variant frequency within Non-Finnish European control individuals in the gnomAD database exceeds the estimated maximal expected allele frequency for disease-causing variants in LRP2. c.6160G>A has been observed in individuals with clinical features of Donnai Barrow Syndrome (e.g. de Ligt_2012, Fitzgerald_2015). However, these reports do not provide unequivocal conclusions about association of the variant with Donnai Barrow Syndrome. To our knowledge, no experimental evidence demonstrating an impact on protein function has been reported. The following publications have been ascertained in the context of this evaluation (PMID: 23033978, 25533962). ClinVar contains an entry for this variant (Variation ID: 39974). Based on the evidence outlined above, the variant was classified as likely benign.

Labcorp Genetics (formerly Invitae), Labcorp
Classification: Likely benign. Last evaluated: 2026-02-04. Review status: criteria provided, single submitter. Criteria: Invitae Variant Classification Sherloc (09022015). Collection method: clinical testing. Allele origin: germline.

Mayo Clinic Laboratories, Mayo Clinic
Classification: Uncertain significance. Last evaluated: 2025-11-22. Review status: criteria provided, single submitter. Criteria: ACMG Guidelines, 2015. Collection method: clinical testing. Allele origin: germline. Observed: 1 variant allele.
Comment: BS1

Blueprint Genetics
Classification: Likely benign. Last evaluated: 2024-11-19. Review status: criteria provided, single submitter. Criteria: ACMG Guidelines, 2015. Collection method: clinical testing. Allele origin: germline.

Laboratory of Prof. Karen Avraham, Tel Aviv University
Classification: Likely pathogenic for Donnai-Barrow syndrome. Last evaluated: 2024-05-29. Review status: criteria provided, single submitter. Criteria: ACMG Guidelines, 2015. Collection method: research. Allele origin: germline. Affected: yes. Observed: 1 variant allele.
Comment: According to Deafness Variation Database

Autosomal recessive; high-tone normal-profoundn HL

GeneDx
Classification: Uncertain significance. Last evaluated: 2022-04-22. Review status: criteria provided, single submitter. Criteria: GeneDx Variant Classification Process June 2021. Collection method: clinical testing. Allele origin: germline. Affected: yes.
Comment: In silico analysis supports that this missense variant does not alter protein structure/function; Reported previously in the heterozygous state in an individual with Dent disease (Gianesello et al., 2020); This variant is associated with the following publications: (PMID: 30152016, 31589614, 35026467, 31947599, 33921825, 25533962, 23033978)

Department of Pathology and Laboratory Medicine, Sinai Health System
Classification: Uncertain significance for Donnai-Barrow syndrome. Last evaluated: 2021-12-31. Review status: criteria provided, single submitter. Criteria: ACMG Guidelines, 2015. Collection method: research. Allele origin: germline.

Genome-Nilou Lab
Classification: Uncertain significance for Donnai-Barrow syndrome. Last evaluated: 2021-07-15. Review status: criteria provided, single submitter. Criteria: ACMG Guidelines, 2015. Collection method: clinical testing. Allele origin: germline. Affected: no.

Cambridge Genomics Laboratory, East Genomic Laboratory Hub, NHS Genomic Medicine Service
Classification: Benign for Intellectual disability. Last evaluated: 2020-02-11. Review status: criteria provided, single submitter. Criteria: ACGS Best Practice Guidelines for Variant Classification in Rare Disease 2020. Collection method: clinical testing. Allele origin: germline. Affected: yes. Observed: 1 variant allele.

Illumina Laboratory Services, Illumina
Classification: Uncertain significance for Donnai-Barrow syndrome. Last evaluated: 2017-04-27. Review status: criteria provided, single submitter. Criteria: ICSL Variant Classification Criteria 13 December 2019. Collection method: clinical testing. Allele origin: germline.
Comment: This variant was observed as part of a predisposition screen in an ostensibly healthy population. A literature search was performed for the gene, cDNA change, and amino acid change (where applicable). Publications were found based on this search. However, the evidence from the literature, in combination with allele frequency data from public databases where available, was not sufficient to rule this variant in or out of causing disease. Therefore, this variant is classified as a variant of unknown significance.

Neuberg Centre For Genomic Medicine, NCGM
Classification: Uncertain significance for Donnai-Barrow syndrome. Review status: criteria provided, single submitter. Criteria: ACMG Guidelines, 2015. Collection method: clinical testing. Allele origin: germline. Inheritance: Autosomal recessive inheritance. Affected: yes.
Comment: The missense variant c.6160G>A(p.Asp2054Asn) in LRP2 gene has been reported in individual affected with LRP2 related disorders (Orlov et. al,, 2022; De Ligt et. al., 2012). The observed variant has allele frequency of 0.1% in gnomAD exomes database. This variant has been submitted to the ClinVar database as Likely benign / Uncertain Significance / Pathogenic. The amino acid change p.Asp2054Asn in LRP2 is predicted as conserved by GERP++ and PhyloP across 100 vertebrates. The amino acid Asp at position 2054 is changed to a Asn changing protein sequence and it might alter its composition and physico-chemical properties. However, functional studies will be required to confirm the pathogenicity of the variant. For these reasons, this variant has been classified as Uncertain Significance (VUS).

OMIM
Classification: Pathogenic for DONNAI-BARROW SYNDROME. Last evaluated: 2012-11-15. Review status: no assertion criteria provided. Collection method: literature only. Allele origin: germline. Not counted in ClinVar's aggregate classification.

Literature cited by the submitters: PubMed 23033978 (cited by 4 submitters); PubMed 25533962 (cited by Mayo Clinic Laboratories, Mayo Clinic); PubMed 31589614 (cited by Mayo Clinic Laboratories, Mayo Clinic); PubMed 35026467 (cited by Mayo Clinic Laboratories, Mayo Clinic).

NM_004525.3(LRP2):c.6160G>A (p.Asp2054Asn)

Gene: LRP2 (LDL receptor related protein 2; minus strand). Cytogenetic location: 2q31.1.
Variant type: single nucleotide variant.
Coding change: c.6160G>A on transcript NM_004525.3 (MANE Select); coding-DNA position 6160, G replaced by A.
Protein change: p.Asp2054Asn; replaces aspartic acid 2054 with asparagine.
Molecular consequence: missense variant.
Genome position (GRCh38, 1-based): chr2:169,212,088, C>T on the plus strand (G>A on the coding strand, the complement: LRP2 is on the minus strand). VCF-style: chr2-169212088-C-T. GRCh37 (hg19) VCF-style: chr2-170068598-C-T.
Other names: p.Asp2054Asn; short protein forms D2054N.
Identifiers: ClinVar variation 39974 (VCV000039974.26), dbSNP rs138269726, ClinGen allele CA261234.
Genomic context (GRCh38, chr2:169,212,088, plus strand): 5'-TGATTGCAGACAGCATTGAAACAACAATGAAAGAGTTATATGGAGAGCAGGACCGATTAT[C>T]AGGATTGAGTTTAAATCCAGTGGCACAGGCGCAGGAAAACAATCCTCCTGGTACAGGCAG-3'
Protein context (NP_004516.2, residues 2044-2064): ACATGFKLNP[Asp2054Asn]NRSCSPYNSF